The following is an entry in ClinVar:

NM_144988.4(ALG14):c.599C>T (p.Pro200Leu)

Gene: ALG14 (ALG14 UDP-N-acetylglucosaminyltransferase subunit; minus strand). Cytogenetic location: 1p21.3.
Variant type: single nucleotide variant.
Coding change: c.599C>T on transcript NM_144988.4 (MANE Select); coding-DNA position 599, C replaced by T.
Protein change: p.Pro200Leu; replaces proline 200 with leucine.
Molecular consequence: missense variant. On other transcripts: 3 prime UTR variant (1), non-coding transcript variant (1).
Genome position (GRCh38, 1-based): chr1:94,983,128, G>A on the plus strand (C>T on the coding strand, the complement: ALG14 is on the minus strand). VCF-style: chr1-94983128-G-A. GRCh37 (hg19) VCF-style: chr1-95448684-G-A.
Other names: c.599C>T (NM_144988.3); c.*168C>T (NM_001305242.2); short protein forms P200L.
Identifiers: ClinVar variation 1045564 (VCV001045564.5), dbSNP rs1014644772, ClinGen allele CA27220442.

ClinVar aggregate classification (germline): Uncertain significance. Review status: criteria provided, multiple submitters, no conflicts (2 of 4 stars). 5 submissions from 3 submitters: Uncertain significance (5). Last evaluated 2023-04-11.

Conditions:
Inborn genetic diseases. Identifiers: MedGen C0950123, MeSH D030342.
Congenital myasthenic syndrome 15. Also called: Myasthenic syndrome, congenital, 15, without tubular aggregates. Identifiers: Orphanet 353327, Orphanet 590, MedGen C4015596, MONDO:0014542, OMIM 616227.
Intellectual developmental disorder with epilepsy, behavioral abnormalities, and coarse facies. Identifiers: MedGen C5436646, MONDO:0033572, OMIM 619031.
Myopathy, epilepsy, and progressive cerebral atrophy. Identifiers: MedGen C5436652, MONDO:0033619, OMIM 619036.

Allele frequency attached by ClinVar (database versions not stated): TOPMed 0.00001.
gnomAD v4.1: 14 of 1,614,054 alleles (0.00087%); highest among the groups gnomAD compares: Middle Eastern, 0.016%; no homozygotes.

Submissions (5):

Genome-Nilou Lab
Classification: Uncertain significance for Congenital myasthenic syndrome 15. Last evaluated: 2023-04-11. Review status: criteria provided, single submitter. Criteria: ACMG Guidelines, 2015. Collection method: clinical testing. Allele origin: germline. Affected: no.

Genome-Nilou Lab
Classification: Uncertain significance for Intellectual developmental disorder with epilepsy, behavioral abnormalities, and coarse facies. Last evaluated: 2023-04-11. Review status: criteria provided, single submitter. Criteria: ACMG Guidelines, 2015. Collection method: clinical testing. Allele origin: germline. Affected: no.

Genome-Nilou Lab
Classification: Uncertain significance for Myopathy, epilepsy, and progressive cerebral atrophy. Last evaluated: 2023-04-11. Review status: criteria provided, single submitter. Criteria: ACMG Guidelines, 2015. Collection method: clinical testing. Allele origin: germline. Affected: no.

Labcorp Genetics (formerly Invitae), Labcorp
Classification: Uncertain significance for Congenital myasthenic syndrome 15. Last evaluated: 2022-07-05. Review status: criteria provided, single submitter. Criteria: Invitae Variant Classification Sherloc (09022015). Collection method: clinical testing. Allele origin: germline.
Comment: This sequence change replaces proline, which is neutral and non-polar, with leucine, which is neutral and non-polar, at codon 200 of the ALG14 protein (p.Pro200Leu). This variant is present in population databases (no rsID available, gnomAD 0.009%). This variant has not been reported in the literature in individuals affected with ALG14-related conditions. ClinVar contains an entry for this variant (Variation ID: 1045564). Algorithms developed to predict the effect of missense changes on protein structure and function output the following: SIFT: "Tolerated"; PolyPhen-2: "Probably Damaging"; Align-GVGD: "Class C0". The leucine amino acid residue is found in multiple mammalian species, which suggests that this missense change does not adversely affect protein function. In summary, the available evidence is currently insufficient to determine the role of this variant in disease. Therefore, it has been classified as a Variant of Uncertain Significance.

Ambry Genetics
Classification: Uncertain significance for Inborn genetic diseases. Last evaluated: 2021-06-22. Review status: criteria provided, single submitter. Criteria: Ambry Variant Classification Scheme 2023. Collection method: clinical testing. Allele origin: germline.